The following is an entry in ClinVar:

ClinVar aggregate classification (germline): Likely benign. Review status: criteria provided, multiple submitters, no conflicts (2 of 4 stars). 2 submissions from 2 submitters: Likely benign (2). Last evaluated 2017-04-27.

Conditions:
Brain small vessel disease 2A, autosomal dominant. Also called: Porencephaly 2. Identifiers: Orphanet 2940, Orphanet 99810, MedGen C3280970, MONDO:0013773, OMIM 614483.

Allele frequency attached by ClinVar (database versions not stated): 1000 Genomes Project 0.00080; gnomAD 0.00084 and 0.00092; gnomAD exomes 0.00107; TOPMed 0.00111; 1000 Genomes Project 30x 0.00172.

Submissions (3):

Illumina Laboratory Services, Illumina
Classification: Likely benign for Brain small vessel disease 2A, autosomal dominant. Last evaluated: 2017-04-27. Review status: criteria provided, single submitter. Criteria: ICSL Variant Classification Criteria 13 December 2019. Collection method: clinical testing. Allele origin: germline.
Comment: This variant was observed as part of a predisposition screen in an ostensibly healthy population. A literature search was performed for the gene, cDNA change, and amino acid change (where applicable). No publications were found based on this search. Allele frequency data from public databases allowed determination this variant is unlikely to cause disease. Therefore, this variant is classified as likely benign.

Breakthrough Genomics
Classification: Likely benign. Review status: criteria provided, single submitter. Criteria: ACMG Guidelines, 2015. Collection method: not provided. Allele origin: germline. Inheritance: Autosomal dominant inheritance. Affected: yes.

Dr. Peter K. Rogan Lab, Western University
No classification provided (evidence only). Condition: Ovarian serous cystadenocarcinoma. Review status: no classification provided. Collection method: in vitro. Allele origin: not applicable. Functional consequence: retained intron. Not counted in ClinVar's aggregate classification.

NM_001846.4(COL4A2):c.-101G>A

Gene: COL4A2 (collagen type IV alpha 2 chain; plus strand). Cytogenetic location: 13q34.
Variant type: single nucleotide variant.
Coding change: c.-101G>A on transcript NM_001846.4 (MANE Select); 101 bases upstream of the start codon, G replaced by A.
Molecular consequence: 5 prime UTR variant.
Genome position (GRCh38, 1-based): chr13:110,307,472, G>A. VCF-style: chr13-110307472-G-A. GRCh37 (hg19) VCF-style: chr13-110959819-G-A.
Other names: NC_000013.10:g.110959819G>A.
Identifiers: ClinVar variation 311094 (VCV000311094.10), dbSNP rs528084465, ClinGen allele CA10642824.